The following is an entry in ClinVar:

ClinVar aggregate classification (germline): Uncertain significance (1 of 4 stars; one submission).

Allele frequency attached by ClinVar (database versions not stated): gnomAD exomes below 0.00001.
gnomAD v4.1: 2 of 1,211,844 alleles (0.00017%); highest among the groups gnomAD compares: Non-Finnish European, 0.00022%; no homozygotes.

Submission:

Labcorp Genetics (formerly Invitae), Labcorp
Classification: Uncertain significance. Last evaluated: 2022-11-06. Review status: criteria provided, single submitter. Criteria: Invitae Variant Classification Sherloc (09022015). Collection method: clinical testing. Allele origin: germline.
Comment: Advanced modeling of protein sequence and biophysical properties (such as structural, functional, and spatial information, amino acid conservation, physicochemical variation, residue mobility, and thermodynamic stability) performed at Invitae indicates that this missense variant is not expected to disrupt ATP6AP1 protein function. In summary, the available evidence is currently insufficient to determine the role of this variant in disease. Therefore, it has been classified as a Variant of Uncertain Significance. This variant has not been reported in the literature in individuals affected with ATP6AP1-related conditions. This variant is present in population databases (no rsID available, gnomAD 0.001%). This sequence change replaces valine, which is neutral and non-polar, with isoleucine, which is neutral and non-polar, at codon 233 of the ATP6AP1 protein (p.Val233Ile).

NM_001183.6(ATP6AP1):c.697G>A (p.Val233Ile)

Gene: ATP6AP1 (ATPase H+ transporting accessory protein 1; plus strand). Cytogenetic location: Xq28.
Variant type: single nucleotide variant.
Coding change: c.697G>A on transcript NM_001183.6 (MANE Select); coding-DNA position 697, G replaced by A.
Protein change: p.Val233Ile; replaces valine 233 with isoleucine.
Molecular consequence: missense variant.
Genome position (GRCh38, 1-based): chrX:154,434,220, G>A. VCF-style: chrX-154434220-G-A. GRCh37 (hg19) VCF-style: chrX-153662566-G-A.
Other names: short protein forms V233I.
Identifiers: ClinVar variation 2727202 (VCV002727202.3), dbSNP rs1557197277, ClinGen allele CA415192697.